The following is an entry in ClinVar:

NM_001042492.3(NF1):c.817C>T (p.Leu273Phe)

Gene: NF1 (neurofibromin 1; plus strand). Cytogenetic location: 17q11.2.
Variant type: single nucleotide variant.
Coding change: c.817C>T on transcript NM_001042492.3 (MANE Select); coding-DNA position 817, C replaced by T.
Protein change: p.Leu273Phe; replaces leucine 273 with phenylalanine.
Molecular consequence: missense variant.
Genome position (GRCh38, 1-based): chr17:31,182,594, C>T. VCF-style: chr17-31182594-C-T. GRCh37 (hg19) VCF-style: chr17-29509612-C-T.
Other names: c.817C>T, p.Leu273Phe (NM_000267.4, NM_001128147.3); short protein forms L273F.
Identifiers: ClinVar variation 4860867 (VCV004860867.1).

ClinVar aggregate classification (germline): Uncertain significance (1 of 4 stars; one submission).

Conditions:
Cardiovascular phenotype. Identifiers: MedGen CN230736.
Hereditary cancer-predisposing syndrome. Also called: Neoplastic Syndromes, Hereditary; Tumor predisposition; Hereditary Cancer Syndrome; Hereditary neoplastic syndrome. Identifiers: Orphanet 140162, MedGen C0027672, MeSH D009386, MONDO:0015356.

Submission:

Ambry Genetics
Classification: Uncertain significance for Cardiovascular phenotype; Hereditary cancer-predisposing syndrome. Last evaluated: 2026-03-17. Review status: criteria provided, single submitter. Criteria: Ambry Variant Classification Scheme 2023. Collection method: clinical testing. Allele origin: germline.
Comment: The p.L273F variant (also known as c.817C>T), located in coding exon 8 of the NF1 gene, results from a C to T substitution at nucleotide position 817. The leucine at codon 273 is replaced by phenylalanine, an amino acid with highly similar properties. This amino acid position is highly conserved in available vertebrate species. In addition, this alteration is predicted to be deleterious by in silico analysis. Based on the available evidence, the clinical significance of this variant remains unclear.